The following is an entry in ClinVar:

ClinVar aggregate classification (germline): Uncertain significance (1 of 4 stars; one submission).

gnomAD v4.1: 8 of 1,614,092 alleles (0.0005%); highest among the groups gnomAD compares: South Asian, 0.0044%; 1 homozygote.

Submission:

Labcorp Genetics (formerly Invitae), Labcorp
Classification: Uncertain significance. Last evaluated: 2022-11-26. Review status: criteria provided, single submitter. Criteria: Invitae Variant Classification Sherloc (09022015). Collection method: clinical testing. Allele origin: germline.
Comment: This sequence change replaces methionine, which is neutral and non-polar, with valine, which is neutral and non-polar, at codon 280 of the EGF protein (p.Met280Val). This variant is present in population databases (no rsID available, gnomAD 0.003%). This variant has not been reported in the literature in individuals affected with EGF-related conditions. Algorithms developed to predict the effect of missense changes on protein structure and function output the following: SIFT: "Not Available"; PolyPhen-2: "Benign"; Align-GVGD: "Not Available". The valine amino acid residue is found in multiple mammalian species, which suggests that this missense change does not adversely affect protein function. In summary, the available evidence is currently insufficient to determine the role of this variant in disease. Therefore, it has been classified as a Variant of Uncertain Significance.

NM_001963.6(EGF):c.838A>G (p.Met280Val)

Gene: EGF (epidermal growth factor; plus strand). Cytogenetic location: 4q25.
Variant type: single nucleotide variant.
Coding change: c.838A>G on transcript NM_001963.6 (MANE Select); coding-DNA position 838, A replaced by G.
Protein change: p.Met280Val; replaces methionine 280 with valine.
Molecular consequence: missense variant.
Genome position (GRCh38, 1-based): chr4:109,945,173, A>G. VCF-style: chr4-109945173-A-G. GRCh37 (hg19) VCF-style: chr4-110866329-A-G.
Other names: c.838A>G, p.Met280Val (NM_001178130.3, NM_001178131.3, NM_001357021.2); short protein forms M280V.
Identifiers: ClinVar variation 3013207 (VCV003013207.3), dbSNP rs758470342, ClinGen allele CA357877327.
Genomic context (GRCh38, chr4:109,945,173, plus strand): 5'-TTCTATTCAACATGGAAAATGAAGACAATTTGGATAGCCAACAAACACACTGGAAAGGAC[A>G]TGGTTAGAATTAACCTCCATTCATCATTTGTACCACTTGGTGAACTGAAAGTAGTGCATC-3'
Protein context (NP_001954.2, residues 270-290): WIANKHTGKD[Met280Val]VRINLHSSFV